The following is an entry in ClinVar:

ClinVar aggregate classification (germline): Uncertain significance (1 of 4 stars; one submission).

Conditions:
Diffuse cerebral and cerebellar atrophy - intractable seizures - progressive microcephaly syndrome. Also called: Microcephaly, progressive, with seizures and cerebral and cerebellar atrophy. Identifiers: Orphanet 404437, MedGen C4014239, MONDO:0014335, OMIM 615760.

Submission:

Labcorp Genetics (formerly Invitae), Labcorp
Classification: Uncertain significance for Diffuse cerebral and cerebellar atrophy - intractable seizures - progressive microcephaly syndrome. Last evaluated: 2019-09-12. Review status: criteria provided, single submitter. Criteria: Invitae Variant Classification Sherloc (09022015). Collection method: clinical testing. Allele origin: germline.
Comment: In summary, the available evidence is currently insufficient to determine the role of this variant in disease. Therefore, it has been classified as a Variant of Uncertain Significance. Algorithms developed to predict the effect of missense changes on protein structure and function (SIFT, PolyPhen-2, Align-GVGD) all suggest that this variant is likely to be disruptive, but these predictions have not been confirmed by published functional studies and their clinical significance is uncertain. This variant has not been reported in the literature in individuals with QARS-related disease. This variant is not present in population databases (ExAC no frequency). This sequence change replaces isoleucine with threonine at codon 434 of the QARS protein (p.Ile434Thr). The isoleucine residue is highly conserved and there is a moderate physicochemical difference between isoleucine and threonine.

NM_005051.3(QARS1):c.1301T>C (p.Ile434Thr)

Gene: QARS1 (glutaminyl-tRNA synthetase 1; minus strand). Cytogenetic location: 3p21.31.
Variant type: single nucleotide variant.
Coding change: c.1301T>C on transcript NM_005051.3 (MANE Select); coding-DNA position 1301, T replaced by C.
Protein change: p.Ile434Thr; replaces isoleucine 434 with threonine.
Molecular consequence: missense variant. On other transcripts: non-coding transcript variant (1).
Genome position (GRCh38, 1-based): chr3:49,099,848, A>G on the plus strand (T>C on the coding strand, the complement: QARS1 is on the minus strand). VCF-style: chr3-49099848-A-G. GRCh37 (hg19) VCF-style: chr3-49137281-A-G.
Other names: c.1268T>C, p.Ile423Thr (NM_001272073.2); short protein forms I434T, I423T.
Identifiers: ClinVar variation 570691 (VCV000570691.7), dbSNP rs1559967530, ClinGen allele CA352708207.